The following is an entry in ClinVar:

NM_001005242.3(PKP2):c.1809T>G (p.Cys603Trp)

Gene: PKP2 (plakophilin 2; minus strand). Cytogenetic location: 12p11.21.
Variant type: single nucleotide variant.
Coding change: c.1809T>G on transcript NM_001005242.3 (MANE Select); coding-DNA position 1809, T replaced by G.
Protein change: p.Cys603Trp; replaces cysteine 603 with tryptophan.
Molecular consequence: missense variant.
Genome position (GRCh38, 1-based): chr12:32,822,497, A>C on the plus strand (T>G on the coding strand, the complement: PKP2 is on the minus strand). VCF-style: chr12-32822497-A-C. GRCh37 (hg19) VCF-style: chr12-32975431-A-C.
Other names: c.1941T>G, p.Cys647Trp (NM_004572.4); short protein forms C647W, C603W.
Identifiers: ClinVar variation 567604 (VCV000567604.17), dbSNP rs767935208, ClinGen allele CA031511.

ClinVar aggregate classification (germline): Uncertain significance. Review status: criteria provided, multiple submitters, no conflicts (2 of 4 stars). 7 submissions from 7 submitters: Uncertain significance (7). Last evaluated 2025-10-25.

Conditions:
Cardiovascular phenotype. Identifiers: MedGen CN230736.
Cardiomyopathy (CMYO). Also called: Cardiomyopathies. Identifiers: Orphanet 167848, MedGen C0878544, MONDO:0004994, HP:0001638. Inheritance: Various modes of inheritance.
Arrhythmogenic right ventricular dysplasia 9 (ARVD9). Also called: Arrhythmogenic Right Ventricular Dysplasia/Cardiomyopathy 9; ARRHYTHMOGENIC RIGHT VENTRICULAR DYSPLASIA, FAMILIAL, 9. Identifiers: MedGen C1836906, MONDO:0012180, OMIM 609040.
Arrhythmogenic right ventricular cardiomyopathy (ARVD). Also called: Arrhythmogenic cardiomyopathy; Arrhythmogenic Right Ventricular Cardiomyopathy (ARVC); Cardiomyopathy, ARVC; Arrhythmogenic right ventricular dysplasia. Identifiers: Orphanet 247, MedGen C0349788, MeSH D019571, MONDO:0016587. Disease mechanism: loss of function. Inheritance: Various modes of inheritance.

Allele frequency attached by ClinVar (database versions not stated): ExAC 0.00002; gnomAD exomes 0.00002 and 0.00009; TOPMed 0.00004; gnomAD 0.00005.
gnomAD v4.1: 133 of 1,614,022 alleles (0.0082%); highest among the groups gnomAD compares: Non-Finnish European, 0.011%; no homozygotes.

Submissions (7):

Ambry Genetics
Classification: Uncertain significance for Cardiovascular phenotype. Last evaluated: 2025-10-25. Review status: criteria provided, single submitter. Criteria: Ambry Variant Classification Scheme 2023. Collection method: clinical testing. Allele origin: germline.
Comment: The p.C647W variant (also known as c.1941T>G), located in coding exon 9 of the PKP2 gene, results from a T to G substitution at nucleotide position 1941. The cysteine at codon 647 is replaced by tryptophan, an amino acid with highly dissimilar properties. This variant has been reported in a hypertrophic cardiomyopathy cohort; however, clinical details were limited, and it occurred in conjunction with variants in other cardiac-related genes (Lopes LR et al. J. Med. Genet., 2013 Apr;50:228-39 (reported as p.C603W)). This variant was also reported in a child with arrhythmogenic right ventricular cardiomyopathy (ARVC) and heart failure, who had an additional PKP2 frameshift variant also detected (Vischer AS et al. Int J Cardiol, 2019 07;286:99-103). This amino acid position is highly conserved in available vertebrate species. In addition, this alteration is predicted to be deleterious by in silico analysis. Since supporting evidence is limited at this time, the clinical significance of this alteration remains unclear.

Labcorp Genetics (formerly Invitae), Labcorp
Classification: Uncertain significance for Arrhythmogenic right ventricular dysplasia 9. Last evaluated: 2025-08-15. Review status: criteria provided, single submitter. Criteria: Invitae Variant Classification Sherloc (09022015). Collection method: clinical testing. Allele origin: germline.
Comment: This sequence change replaces cysteine, which is neutral and slightly polar, with tryptophan, which is neutral and slightly polar, at codon 647 of the PKP2 protein (p.Cys647Trp). This variant is present in population databases (rs767935208, gnomAD 0.004%). This missense change has been observed in individuals with autosomal recessive arrhythmogenic right ventricular cardiomyopathy and/or hypertrophic cardiomyopathy (PMID: 3396983, 30765282, 34120153, 35766183). This variant is also known as c.T1809G, p.C603W. ClinVar contains an entry for this variant (Variation ID: 567604). An algorithm developed to predict the effect of missense changes on protein structure and function (PolyPhen-2) suggests that this variant is likely to be disruptive. In summary, the available evidence is currently insufficient to determine the role of this variant in disease. Therefore, it has been classified as a Variant of Uncertain Significance.

GeneDx
Classification: Uncertain significance. Last evaluated: 2024-04-10. Review status: criteria provided, single submitter. Criteria: GeneDx Variant Classification Process June 2021. Collection method: clinical testing. Allele origin: germline. Affected: yes.
Comment: Identified in a cohort of patients with ARVC, specifically in a patient with sudden cardiac arrest (SCA) (PMID: 34120153); Not observed at significant frequency in large population cohorts (gnomAD); In silico analysis supports that this missense variant has a deleterious effect on protein structure/function; This variant is associated with the following publications: (PMID: 34120153)

All of Us Research Program, National Institutes of Health
Classification: Uncertain significance for Arrhythmogenic right ventricular cardiomyopathy. Last evaluated: 2023-12-13. Review status: criteria provided, single submitter. Criteria: ACMG Guidelines, 2015. Collection method: clinical testing. Allele origin: germline. Inheritance: Autosomal dominant inheritance. Observed: 4 variant alleles, 4 heterozygotes.
Comment: This missense variant replaces cysteine with tryptophan at codon 647 of the PKP2 protein. Computational prediction suggests that this variant may have deleterious impact on protein structure and function (internally defined REVEL score threshold >= 0.7, PMID: 27666373). To our knowledge, functional studies have not been reported for this variant. This variant has been reported in an individual affected with arrhythmogenic right ventricular cardiomyopathy, who also carried a pathogenic truncation variant in the PKP2 gene (PMID: 30765282), and in another two individuals affected with hypertrophic cardiomyopathy (PMID: 25351510). This variant has been identified in 6/282710 chromosomes in the general population by the Genome Aggregation Database (gnomAD). The available evidence is insufficient to determine the role of this variant in disease conclusively. Therefore, this variant is classified as a Variant of Uncertain Significance.

This study involves interpretation of variants in research participants for the purpose of population health screening. Participant phenotype was not available at the time of variant classification. Additional details can be found in publication PMID: 35346344, PMCID: PMC8962531

Women's Health and Genetics/Laboratory Corporation of America, LabCorp
Classification: Uncertain significance. Last evaluated: 2023-12-11. Review status: criteria provided, single submitter. Criteria: LabCorp Variant Classification Summary - May 2015. Collection method: clinical testing. Allele origin: germline.
Comment: Variant summary: PKP2 c.1941T>G (p.Cys647Trp) results in a non-conservative amino acid change in the encoded protein sequence. Five of five in-silico tools predict a damaging effect of the variant on protein function. The variant allele was found at a frequency of 1.6e-05 in 251308 control chromosomes (gnomAD). The available data on variant occurrences in the general population are insufficient to allow any conclusion about variant significance. c.1941T>G has been reported in the literature in individuals affected with hypertrophic and arrhythmogenic cardiomyopathy as well as ventricular tachycardia (e.g., Lopes_2013, Vischer_2019, Dries_2021, Protonotarios_2022), however without strong evidence for causality (e.g., lack of co-segregation data). These report(s) do not provide unequivocal conclusions about association of the variant with Arrhythmogenic Right Ventricular Dysplasia/Cardiomyopathy. A co-occurrence with another pathogenic variant has been reported (PKP2 c.2197_2202delinsG, p.His733AlafsX8; Vischer_2019), providing supporting evidence for a benign role. To our knowledge, no experimental evidence demonstrating an impact on protein function has been reported. The following publications have been ascertained in the context of this evaluation (PMID: 34120153, 23396983, 35766183, 30765282). Four submitters have reported clinical-significance assessments for this variant to ClinVar after 2014. All submitters classified the variant as uncertain significance. Based on the evidence outlined above, the variant was classified as uncertain significance.

Color Diagnostics, LLC DBA Color Health
Classification: Uncertain significance for Cardiomyopathy. Last evaluated: 2023-11-06. Review status: criteria provided, single submitter. Criteria: ACMG Guidelines, 2015. Collection method: clinical testing. Allele origin: germline.
Comment: This missense variant replaces cysteine with tryptophan at codon 647 of the PKP2 protein. Computational prediction suggests that this variant may have deleterious impact on protein structure and function (internally defined REVEL score threshold >= 0.7, PMID: 27666373). To our knowledge, functional studies have not been reported for this variant. This variant has been reported in an individual affected with arrhythmogenic right ventricular cardiomyopathy, who also carried a pathogenic truncation variant in the PKP2 gene (PMID: 30765282), and in another two individuals affected with hypertrophic cardiomyopathy (PMID: 25351510). This variant has been identified in 6/282710 chromosomes in the general population by the Genome Aggregation Database (gnomAD). The available evidence is insufficient to determine the role of this variant in disease conclusively. Therefore, this variant is classified as a Variant of Uncertain Significance.

AiLife Diagnostics
Classification: Uncertain significance. Last evaluated: 2022-02-16. Review status: criteria provided, single submitter. Criteria: ACMG Guidelines, 2015. Collection method: clinical testing. Allele origin: germline. Affected: yes. Observed: 1 variant allele.

Literature cited by the submitters: PubMed 23396983 (cited by Ambry Genetics and Women's Health and Genetics/Laboratory Corporation of America, LabCorp); PubMed 25351510 (cited by 3 submitters); PubMed 30765282 (cited by 5 submitters); PubMed 34120153 (cited by 3 submitters); PubMed 3396983 (cited by Labcorp Genetics (formerly Invitae), Labcorp); PubMed 35766183 (cited by Labcorp Genetics (formerly Invitae), Labcorp and Women's Health and Genetics/Laboratory Corporation of America, LabCorp).